The following is an entry in ClinVar:

ClinVar aggregate classification (germline): Uncertain significance (1 of 4 stars; one submission).

Conditions:
Microcephaly, normal intelligence and immunodeficiency (NBS). Also called: IMMUNODEFICIENCY, MICROCEPHALY, AND CHROMOSOMAL INSTABILITY; SEEMANOVA SYNDROME II; Nijmegen breakage syndrome; Microcephaly with normal intelligence immunodeficiency and lymphoreticular malignancies; Nonsyndromal microcephaly autosomal recessive with normal intelligence; Seemanova syndrome 2. Identifiers: Orphanet 647, MedGen C0398791, MONDO:0009623, OMIM 251260.

Submission:

Labcorp Genetics (formerly Invitae), Labcorp
Classification: Uncertain significance for Microcephaly, normal intelligence and immunodeficiency. Last evaluated: 2021-11-30. Review status: criteria provided, single submitter. Criteria: Invitae Variant Classification Sherloc (09022015). Collection method: clinical testing. Allele origin: germline.
Comment: This sequence change replaces proline, which is neutral and non-polar, with leucine, which is neutral and non-polar, at codon 651 of the NBN protein (p.Pro651Leu). This variant is not present in population databases (gnomAD no frequency). This missense change has been observed in individual(s) with breast cancer (PMID: 26976419). ClinVar contains an entry for this variant (Variation ID: 461531). Algorithms developed to predict the effect of missense changes on protein structure and function output the following: SIFT: "Deleterious"; PolyPhen-2: "Possibly Damaging"; Align-GVGD: "Class C0". The leucine amino acid residue is found in multiple mammalian species, which suggests that this missense change does not adversely affect protein function. In summary, the available evidence is currently insufficient to determine the role of this variant in disease. Therefore, it has been classified as a Variant of Uncertain Significance.

Literature cited by the submitters: PubMed 26976419.

NM_002485.5(NBN):c.1952C>T (p.Pro651Leu)

Gene: NBN (nibrin; minus strand). Cytogenetic location: 8q21.3.
Variant type: single nucleotide variant.
Coding change: c.1952C>T on transcript NM_002485.5 (MANE Select); coding-DNA position 1952, C replaced by T.
Protein change: p.Pro651Leu; replaces proline 651 with leucine.
Molecular consequence: missense variant.
Genome position (GRCh38, 1-based): chr8:89,946,258, G>A on the plus strand (C>T on the coding strand, the complement: NBN is on the minus strand). VCF-style: chr8-89946258-G-A. GRCh37 (hg19) VCF-style: chr8-90958486-G-A.
Other names: c.1706C>T, p.Pro569Leu (NM_001024688.3); short protein forms P651L, P569L.
Identifiers: ClinVar variation 461531 (VCV000461531.4), dbSNP rs1554556572, ClinGen allele CA371676661.
Genomic context (GRCh38, chr8:89,946,258, plus strand): 5'-TTTCTGGAAGTAGAGTTTTTAATCACCAGTGATCTAAATTCAGTCAATAACAGCTTTTTT[G>A]GAAGCATCTCACTATCATCCTGAAGTTTGTCATTGTTCTTAAATGGGGTTAAGATGGATA-3'
Protein context (NP_002476.2, residues 641-661): DKLQDDSEML[Pro651Leu]KKLLLTEFRS